The following is an entry in ClinVar:

ClinVar aggregate classification (germline): Uncertain significance (1 of 4 stars; one submission).

Submission:

GeneDx
Classification: Uncertain significance. Last evaluated: 2024-01-11. Review status: criteria provided, single submitter. Criteria: GeneDx Variant Classification Process June 2021. Collection method: clinical testing. Allele origin: germline. Affected: yes.
Comment: Not observed at significant frequency in large population cohorts (gnomAD); In silico analysis supports that this missense variant has a deleterious effect on protein structure/function; Has not been previously published as pathogenic or benign to our knowledge

NM_000891.3(KCNJ2):c.1015G>A (p.Val339Met)

Gene: KCNJ2 (potassium inwardly rectifying channel subfamily J member 2; plus strand). Cytogenetic location: 17q24.3.
Variant type: single nucleotide variant.
Coding change: c.1015G>A on transcript NM_000891.3 (MANE Select); coding-DNA position 1015, G replaced by A.
Protein change: p.Val339Met; replaces valine 339 with methionine.
Molecular consequence: missense variant.
Genome position (GRCh38, 1-based): chr17:70,176,054, G>A. VCF-style: chr17-70176054-G-A. GRCh37 (hg19) VCF-style: chr17-68172195-G-A.
Other names: short protein forms V339M.
Identifiers: ClinVar variation 3367775 (VCV003367775.1).